The following is an entry in ClinVar:

NM_001384140.1(PCDH15):c.1728del (p.Arg577fs)

Gene: PCDH15 (protocadherin related 15; minus strand). Cytogenetic location: 10q21.1.
Variant type: Deletion.
Coding change: c.1728del on transcript NM_001384140.1 (MANE Select); coding-DNA position 1728, one base deleted (G; older notation c.1728delG).
Protein change: p.Arg577fs; shifts the reading frame from arginine 577.
Molecular consequence: frameshift variant.
Genome position (GRCh38, 1-based): chr10:54,153,156, C deleted on the plus strand (G on the coding strand, the reverse complement: PCDH15 is on the minus strand); the first of 3 consecutive C bases (chr10:54,153,156-54,153,158); deleting any one gives the same sequence. VCF-style (leftmost placement, unchanged base first): chr10-54153155-GC-G. GRCh37 (hg19) VCF-style: chr10-55912915-GC-G.
Other names: c.1743del, p.Arg582fs (NM_001142763.2, NM_001142771.2); c.1728del, p.Arg577fs (NM_001142764.2, NM_001142765.2, NM_001142766.2 and 6 more transcripts); c.1617del, p.Arg540fs (NM_001142767.2); c.1662del, p.Arg555fs (NM_001142768.2, NM_001142773.2, NM_001354404.2); c.1762delG, p.Arg589Glyfs (NM_001142769.4); c.1749del, p.Arg584fs (NM_001354411.2); short protein forms R540fs, R555fs, R577fs, R582fs, R584fs, R589fs.
Identifiers: ClinVar variation 2677537 (VCV002677537.4), dbSNP rs2539026741, ClinGen allele CA2695199478.

ClinVar aggregate classification (germline): Pathogenic/Likely pathogenic. Review status: criteria provided, multiple submitters, no conflicts (2 of 4 stars). 2 submissions from 2 submitters: Pathogenic (1); Likely pathogenic (1). Last evaluated 2023-11-25.

Conditions:
Autosomal recessive nonsyndromic hearing loss 23. Identifiers: Orphanet 90636, MedGen C1836027, MONDO:0012293, OMIM 609533.

Submissions (2):

Labcorp Genetics (formerly Invitae), Labcorp
Classification: Pathogenic. Last evaluated: 2023-11-25. Review status: criteria provided, single submitter. Criteria: Invitae Variant Classification Sherloc (09022015). Collection method: clinical testing. Allele origin: germline.
Comment: This sequence change creates a premature translational stop signal (p.Arg577Glyfs*43) in the PCDH15 gene. It is expected to result in an absent or disrupted protein product. Loss-of-function variants in PCDH15 are known to be pathogenic (PMID: 11398101, 11487575, 14570705). This variant is not present in population databases (gnomAD no frequency). This variant has not been reported in the literature in individuals affected with PCDH15-related conditions. For these reasons, this variant has been classified as Pathogenic.

Baylor Genetics
Classification: Likely pathogenic for Autosomal recessive nonsyndromic hearing loss 23. Last evaluated: 2023-08-23. Review status: criteria provided, single submitter. Criteria: ACMG Guidelines, 2015. Collection method: clinical testing. Allele origin: unknown.

Literature cited by the submitters: PubMed 11398101 (cited by Labcorp Genetics (formerly Invitae), Labcorp); PubMed 11487575 (cited by Labcorp Genetics (formerly Invitae), Labcorp); PubMed 14570705 (cited by Labcorp Genetics (formerly Invitae), Labcorp).